The following is an entry in ClinVar:

NM_014244.5(ADAMTS2):c.*1486C>A

Gene: ADAMTS2 (ADAM metallopeptidase with thrombospondin type 1 motif 2; minus strand). Cytogenetic location: 5q35.3.
Variant type: single nucleotide variant.
Coding change: c.*1486C>A on transcript NM_014244.5 (MANE Select); 1486 bases downstream of the stop codon, C replaced by A.
Molecular consequence: 3 prime UTR variant.
Genome position (GRCh38, 1-based): chr5:179,112,381, G>T on the plus strand (C>A on the coding strand, the complement: ADAMTS2 is on the minus strand). VCF-style: chr5-179112381-G-T. GRCh37 (hg19) VCF-style: chr5-178539382-G-T.
Identifiers: ClinVar variation 353063 (VCV000353063.5), dbSNP rs1863918, ClinGen allele CA10624255.
Genomic context (GRCh38, chr5:179,112,381, plus strand): 5'-GACGTGCCCCTGGGTCTTGTAAGCCCAGAAAGTTTAAGCTTCACGTTCACAAAATGTCAA[G>T]GCAGTGAGAGGTAAAAATGAGCCACTCTTCTCCCATCCGCCCCTACTCCCCCTTCCTCCT-3'

ClinVar aggregate classification (germline): Benign (1 of 4 stars; one submission).

Conditions:
Ehlers-Danlos syndrome, dermatosparaxis type. Also called: EDS VIIC; Dermatosparaxis; Ehlers-Danlos syndrome, type VII, autosomal recessive. Identifiers: Orphanet 1901, MedGen C2700425, MONDO:0009161, OMIM 225410.

Allele frequency attached by ClinVar (database versions not stated): gnomAD 0.24649 and 0.25279; gnomAD exomes 0.25000; TOPMed 0.25352; 1000 Genomes Project 30x 0.26718; 1000 Genomes Project 0.26777.
gnomAD v4.1: 38,678 of 152,122 alleles (25%); highest among the groups gnomAD compares: South Asian, 38%; 5,599 homozygotes.

Submission:

Illumina Laboratory Services, Illumina
Classification: Benign for Ehlers-Danlos syndrome, dermatosparaxis type. Last evaluated: 2018-01-13. Review status: criteria provided, single submitter. Criteria: ICSL Variant Classification Criteria 13 December 2019. Collection method: clinical testing. Allele origin: germline.
Comment: This variant was observed in the ICSL laboratory as part of a predisposition screen in an ostensibly healthy population. It had not been previously curated by ICSL or reported in the Human Gene Mutation Database (HGMD: prior to June 1st, 2018), and was therefore a candidate for classification through an automated scoring system. Utilizing variant allele frequency, disease prevalence and penetrance estimates, and inheritance mode, an automated score was calculated to assess if this variant is too frequent to cause the disease. Based on the score and internal cut-off values, a variant classified as benign is not then subjected to further curation. The score for this variant resulted in a classification of benign for this disease.